The following is an entry in ClinVar:

NM_172250.3(MMAA):c.284A>G (p.Gln95Arg)

Gene: MMAA (metabolism of cobalamin associated A; plus strand). Cytogenetic location: 4q31.21.
Variant type: single nucleotide variant.
Coding change: c.284A>G on transcript NM_172250.3 (MANE Select); coding-DNA position 284, A replaced by G.
Protein change: p.Gln95Arg; replaces glutamine 95 with arginine.
Molecular consequence: missense variant.
Genome position (GRCh38, 1-based): chr4:145,639,423, A>G. VCF-style: chr4-145639423-A-G. GRCh37 (hg19) VCF-style: chr4-146560575-A-G.
Other names: c.284A>G, p.Gln95Arg (NM_001375644.1); short protein forms Q95R.
Identifiers: ClinVar variation 2128629 (VCV002128629.1), dbSNP rs1395582007, ClinGen allele CA358352728.

ClinVar aggregate classification (germline): Uncertain significance (1 of 4 stars; one submission).

Conditions:
Methylmalonic aciduria, cblA type (MACA). Also called: Vitamin B12-responsive methylmalonic acidemia type cblA; Methylmalonic aciduria, vitamin b12-responsive, due to defect in synthesis of adenosylcobalamin, cbla complementation type; MMA cbl A type; Methylmalonic acidemia cblA type; Methylmalonic aciduria, vitamin B12-responsive. Identifiers: Orphanet 28, Orphanet 79310, MedGen C1855109, MONDO:0009613, OMIM 251100.

Submission:

Labcorp Genetics (formerly Invitae), Labcorp
Classification: Uncertain significance for Methylmalonic aciduria, cblA type. Last evaluated: 2022-04-25. Review status: criteria provided, single submitter. Criteria: Invitae Variant Classification Sherloc (09022015). Collection method: clinical testing. Allele origin: germline.
Comment: This sequence change replaces glutamine, which is neutral and polar, with arginine, which is basic and polar, at codon 95 of the MMAA protein (p.Gln95Arg). This variant is not present in population databases (gnomAD no frequency). This variant has not been reported in the literature in individuals affected with MMAA-related conditions. Advanced modeling of protein sequence and biophysical properties (such as structural, functional, and spatial information, amino acid conservation, physicochemical variation, residue mobility, and thermodynamic stability) performed at Invitae indicates that this missense variant is not expected to disrupt MMAA protein function. In summary, the available evidence is currently insufficient to determine the role of this variant in disease. Therefore, it has been classified as a Variant of Uncertain Significance.